The following is an entry in ClinVar:

NM_007294.4(BRCA1):c.5427T>C (p.Val1809=)

Gene: BRCA1 (BRCA1 DNA repair associated; minus strand). Cytogenetic location: 17q21.31.
Variant type: single nucleotide variant.
Coding change: c.5427T>C on transcript NM_007294.4 (MANE Select); coding-DNA position 5427, T replaced by C.
Protein change: p.Val1809=; no amino-acid change (valine 1809 retained).
Molecular consequence: synonymous variant. On other transcripts: missense variant (17).
Genome position (GRCh38, 1-based): chr17:43,047,683, A>G on the plus strand (T>C on the coding strand, the complement: BRCA1 is on the minus strand). VCF-style: chr17-43047683-A-G. GRCh37 (hg19) VCF-style: chr17-41199700-A-G.
Other names: c.5280T>C, p.Val1760= (NM_001407853.1, NM_001407838.1, NM_001407839.1 and 12 more transcripts); c.5353T>C, p.Cys1785Arg (NM_001407854.1); c.5350T>C, p.Cys1784Arg (NM_001407858.1, NM_001407859.1, NM_001407860.1); c.5217T>C, p.Val1739= (NM_001407885.1, NM_001407886.1, NM_001407887.1 and 5 more transcripts); c.5214T>C, p.Val1738= (NM_001407894.1, NM_001407895.1, NM_001407896.1 and 12 more transcripts); c.5211T>C, p.Val1737= (NM_001407915.1, NM_001407916.1, NM_001407917.1 and 1 more transcripts); c.5175T>C, p.Val1725= (NM_001407919.1); c.5163T>C, p.Val1721= (NM_001407920.1, NM_001407921.1, NM_001407922.1 and 4 more transcripts); and 83 more; short protein forms C681R, C1742R, C1784R, C1744R, C1785R, C1737R, C1738R, C1743R.
Identifiers: ClinVar variation 867383 (VCV000867383.3), dbSNP rs2050989260, ClinGen allele CA10590586.

Conditions:
Breast-ovarian cancer, familial, susceptibility to, 1 (BROVCA1). Also called: BRCA1 Hereditary Breast and Ovarian Cancer; OVARIAN CANCER, SUSCEPTIBILITY TO. Identifiers: Orphanet 145, MedGen C2676676, MONDO:0011450, OMIM 604370. Disease mechanism: loss of function.

Submission:

Brotman Baty Institute, University of Washington
No classification provided (evidence only). Condition: Breast-ovarian cancer, familial 1. Review status: no classification provided. Collection method: in vitro. Allele origin: not applicable. Functional consequence: functionally_normal.
ClinVar note: "not provided" was previously submitted as the classification for the variant. However, the classification appeared to be based only on an observation of functional data so it was converted to no classification on 2025-07-30.